The following is an entry in ClinVar:

ClinVar aggregate classification (germline): Benign. Review status: criteria provided, multiple submitters, no conflicts (2 of 4 stars). 2 submissions from 2 submitters: Benign (2). Last evaluated 2018-01-13.

Conditions:
Spinocerebellar ataxia, autosomal recessive, with axonal neuropathy 1 (SCAN1). Identifiers: Orphanet 94124, MedGen C4759870, MONDO:0011801, OMIM 607250.

Allele frequency attached by ClinVar (database versions not stated): gnomAD exomes 0.02632; gnomAD 0.05275 and 0.05316; TOPMed 0.05576; 1000 Genomes Project 0.06270; 1000 Genomes Project 30x 0.06543.
gnomAD v4.1: 7,972 of 152,312 alleles (5.2%); highest among the groups gnomAD compares: African/African-American, 11%; 343 homozygotes.

Submissions (2):

Illumina Laboratory Services, Illumina
Classification: Benign for Spinocerebellar ataxia, autosomal recessive, with axonal neuropathy 1. Last evaluated: 2018-01-13. Review status: criteria provided, single submitter. Criteria: ICSL Variant Classification Criteria 13 December 2019. Collection method: clinical testing. Allele origin: germline.
Comment: This variant was observed in the ICSL laboratory as part of a predisposition screen in an ostensibly healthy population. It had not been previously curated by ICSL or reported in the Human Gene Mutation Database (HGMD: prior to June 1st, 2018), and was therefore a candidate for classification through an automated scoring system. Utilizing variant allele frequency, disease prevalence and penetrance estimates, and inheritance mode, an automated score was calculated to assess if this variant is too frequent to cause the disease. Based on the score and internal cut-off values, a variant classified as benign is not then subjected to further curation. The score for this variant resulted in a classification of benign for this disease.

Breakthrough Genomics
Classification: Benign. Review status: criteria provided, single submitter. Criteria: ACMG Guidelines, 2015. Collection method: not provided. Allele origin: germline. Inheritance: Autosomal recessive inheritance. Affected: yes.

NM_018319.4(TDP1):c.-224A>G

Gene: TDP1 (tyrosyl-DNA phosphodiesterase 1; plus strand). Cytogenetic location: 14q32.11.
Variant type: single nucleotide variant.
Coding change: c.-224A>G on transcript NM_018319.4 (MANE Select); 224 bases upstream of the start codon, A replaced by G.
Molecular consequence: 5 prime UTR variant. On other transcripts: intron variant (2).
Genome position (GRCh38, 1-based): chr14:89,956,584, A>G. VCF-style: chr14-89956584-A-G. GRCh37 (hg19) VCF-style: chr14-90422928-A-G.
Other names: c.-8+306A>G (NM_001330205.2); c.-8+614A>G (NM_001008744.2).
Identifiers: ClinVar variation 314817 (VCV000314817.6), dbSNP rs35439694, ClinGen allele CA10641226.